The following is an entry in ClinVar:

NC_000006.12:g.(?_129165566)_(129192863_?)del

Gene: LAMA2 (laminin subunit alpha 2; plus strand). Cytogenetic location: 6q22.33.
Variant type: Deletion.
Identifiers: ClinVar variation 660157 (VCV000660157.8).

ClinVar aggregate classification (germline): Pathogenic (1 of 4 stars; one submission).

Conditions:
LAMA2-related muscular dystrophy (LAMA2-RD). Also called: Laminin alpha 2-related dystrophy. Identifiers: MedGen C5679788, MONDO:0100228.

Submission:

Labcorp Genetics (formerly Invitae), Labcorp
Classification: Pathogenic for LAMA2-related muscular dystrophy. Last evaluated: 2022-11-07. Review status: criteria provided, single submitter. Criteria: Invitae Variant Classification Sherloc (09022015). Collection method: clinical testing. Allele origin: germline.
Comment: This variant disrupts a region of the LAMA2 protein in which other variant(s) (p.Cys527Tyr) have been determined to be pathogenic (PMID: 12552556, 23326386). This suggests that this is a clinically significant region of the protein, and that variants that disrupt it are likely to be disease-causing. This variant has not been reported in the literature in individuals affected with LAMA2-related conditions. This variant is a gross deletion of the genomic region encompassing exon(s) 9-12 of the LAMA2 gene. This variant would be expected to be in-frame, preserving the integrity of the reading frame. For these reasons, this variant has been classified as Pathogenic.

Literature cited by the submitters: PubMed 12552556; PubMed 23326386.